The following is an entry in ClinVar:

NM_130837.3(OPA1):c.1342A>C (p.Arg448=)

Gene: OPA1 (OPA1 mitochondrial dynamin like GTPase; plus strand). Cytogenetic location: 3q29.
Variant type: single nucleotide variant.
Coding change: c.1342A>C on transcript NM_130837.3 (MANE Select); coding-DNA position 1342, A replaced by C.
Protein change: p.Arg448=; no amino-acid change (arginine 448 retained).
Molecular consequence: synonymous variant.
Genome position (GRCh38, 1-based): chr3:193,643,409, A>C. VCF-style: chr3-193643409-A-C. GRCh37 (hg19) VCF-style: chr3-193361198-A-C.
Other names: p.R393R:AGG>CGG; p.Arg393=; c.808A>C, p.Arg270= (NM_001354663.2); c.805A>C, p.Arg269= (NM_001354664.2); c.1177A>C, p.Arg393= (NM_015560.3); c.1069A>C, p.Arg357= (NM_130831.3); c.1123A>C, p.Arg375= (NM_130832.3); c.1180A>C, p.Arg394= (NM_130833.3); and 3 more.
Identifiers: ClinVar variation 95709 (VCV000095709.20), dbSNP rs149752576, ClinGen allele CA285696.
Genomic context (GRCh38, chr3:193,643,409, plus strand): 5'-TTTATTTTTATTTTTCCTGAGTAGACCATATCCTTAAATGTAAAAGGCCCTGGACTACAG[A>C]GGATGGTGCTTGTTGACTTACCAGGTGTGATTAATGTAAGTATATACAAAACATGTATTT-3'
Protein context (NP_570850.2, residues 438-458): SLNVKGPGLQ[Arg448=]MVLVDLPGVI

ClinVar aggregate classification (germline): Benign. Review status: criteria provided, multiple submitters, no conflicts (2 of 4 stars). 7 submissions from 7 submitters: Benign (7). Last evaluated 2026-02-01.

Conditions:
Autosomal dominant optic atrophy classic form (OPA1). Also called: KJER-TYPE OPTIC ATROPHY; OPTIC ATROPHY, JUVENILE; Optic Atrophy Type 1. Identifiers: Orphanet 98673, MedGen C0338508, MONDO:0008134, OMIM 165500.

Allele frequency attached by ClinVar (database versions not stated): ExAC 0.00678; 1000 Genomes Project 30x 0.00703; 1000 Genomes Project 0.00779; gnomAD 0.00229 and 0.00305; ESP Exome Variant Server 0.00315; TOPMed 0.00320; gnomAD exomes 0.00423 and 0.00642.
gnomAD v4.1: 6,695 of 1,612,042 alleles (0.42%); highest among the groups gnomAD compares: South Asian, 2.4%; 86 homozygotes.

Submissions (7):

Labcorp Genetics (formerly Invitae), Labcorp
Classification: Benign. Last evaluated: 2026-02-01. Review status: criteria provided, single submitter. Criteria: Invitae Variant Classification Sherloc (09022015). Collection method: clinical testing. Allele origin: germline.

Mayo Clinic Laboratories, Mayo Clinic
Classification: Benign. Last evaluated: 2024-02-12. Review status: criteria provided, single submitter. Criteria: ACMG Guidelines, 2015. Collection method: clinical testing. Allele origin: germline. Observed: 17 variant alleles.

Illumina Laboratory Services, Illumina
Classification: Benign for Autosomal dominant optic atrophy classic form. Last evaluated: 2018-01-13. Review status: criteria provided, single submitter. Criteria: ICSL Variant Classification Criteria 13 December 2019. Collection method: clinical testing. Allele origin: germline.
Comment: This variant was observed in the ICSL laboratory as part of a predisposition screen in an ostensibly healthy population. It had not been previously curated by ICSL or reported in the Human Gene Mutation Database (HGMD: prior to June 1st, 2018), and was therefore a candidate for classification through an automated scoring system. Utilizing variant allele frequency, disease prevalence and penetrance estimates, and inheritance mode, an automated score was calculated to assess if this variant is too frequent to cause the disease. Based on the score and internal cut-off values, a variant classified as benign is not then subjected to further curation. The score for this variant resulted in a classification of benign for this disease.

Athena Diagnostics
Classification: Benign. Last evaluated: 2017-02-03. Review status: criteria provided, single submitter. Criteria: Athena Diagnostics Criteria. Collection method: clinical testing. Allele origin: germline.

GeneDx
Classification: Benign. Last evaluated: 2014-04-23. Review status: criteria provided, single submitter. Criteria: GeneDx Variant Classification (06012015). Collection method: clinical testing. Allele origin: germline. Affected: yes.
Comment: This variant is considered likely benign or benign based on one or more of the following criteria: it is a conservative change, it occurs at a poorly conserved position in the protein, it is predicted to be benign by multiple in silico algorithms, and/or has population frequency not consistent with disease.

Eurofins Ntd Llc (ga)
Classification: Benign. Last evaluated: 2013-07-01. Review status: criteria provided, single submitter. Criteria: EGL Classification Definitions 2015. Collection method: clinical testing. Allele origin: germline. Observed: 9 variant alleles, 9 heterozygotes.

Breakthrough Genomics
Classification: Benign. Review status: criteria provided, single submitter. Criteria: ACMG Guidelines, 2015. Collection method: not provided. Allele origin: germline. Inheritance: Autosomal recessive inheritance. Affected: yes.

Literature cited by the submitters: PubMed 23401657 (cited by Athena Diagnostics); PubMed 12842213 (cited by Athena Diagnostics); PubMed 21538838 (cited by Athena Diagnostics).